The following is an entry in ClinVar:

ClinVar aggregate classification (germline): Likely pathogenic (1 of 4 stars; one submission).
ClinVar aggregate classification (oncogenicity): Likely oncogenic (1 of 4 stars; one submission).

Conditions:
Maffucci syndrome. Also called: MULTIPLE ENCHONDROMATOSIS, MAFFUCCI TYPE; Dyschondrodysplasia with Hemangiomas; Enchondromatosis with Multiple Cavernous Hemangiomas; Hemangiomatosis Chondrodystrophica; Multiple Angiomas and Endochondromas; Kast Syndrome. Identifiers: Orphanet 163634, MedGen C0024454, MONDO:0013808, OMIM 614569.
Neoplasm. Also called: tumor; Neoplasms; Neoplasm (disease). Identifiers: MedGen C0027651, MeSH D009369, MONDO:0005070, HP:0002664.

Submissions (2):

Center for Genomic Medicine, Rigshospitalet, Copenhagen University Hospital
Classification: Likely oncogenic for Neoplasm. Last evaluated: 2025-03-04. Review status: criteria provided, single submitter. Criteria: ClinGen/CGC/VICC Guidelines for Oncogenicity, 2022. Collection method: clinical testing. Allele origin: somatic. Affected: yes.

Clinical Genomics Laboratory, Washington University in St. Louis
Classification: Likely pathogenic for Maffucci syndrome. Last evaluated: 2024-07-09. Review status: criteria provided, single submitter. Criteria: Leon-Quintero et al. (Clin Genet. 2025). Collection method: clinical testing. Allele origin: somatic. Affected: yes.
Comment: An IDH2 c.514A>G (p.Arg172Gly) variant was identified at an allelic fraction consistent with somatic origin. This variant has been reported in at least one individual with solitary cartilaginous tumor (Pansuriya TC et al., PMID: 22057234). It is absent from the general population (gnomAD v.4.1.0), indicating it is not a common variant. This variant has been reported in the ClinVar database as a likely pathogenic somatic variant in at least 5 individuals with different cancers (ClinVar ID: 376439; Chang, MT et al., PMID: 26619011), and it has been reported in numerous types of cancer in the cancer database COSMIC (Genomic mutation ID: COSV57468989). The IDH2 c.514A>G (p.Arg172Gly) variant resides within the small domain of IDH2 that is defined as a critical functional domain (Waitkus MS et al., PMID: 26188014; Testa U et al., PMID: 32859092; Xu Y et al., PMID: 28852116). Computational predictors indicate that the variant is damaging, evidence that correlates with impact to IDH2 function. In support of this prediction, functional studies using cell lines show that this variant disrupts the resulting enzyme's ability to catalyze conversion of isocitrate to alpha-ketoglutarate and results in a gain of function to IDH2 as indicated by production of 2HG (2-hydroxyglutarate), and leads to activation of HIF-1-alpha signaling and nuclear accumulation of beta-catenin in cell culture (Fu Yet al., PMID: 22309944; Jin G et al., PMID: 21326614). Other variants in the same codon, (p.Arg172Ser, p.Arg172Thr, p.Arg172Met) have been reported in individuals with Ollier disease and Maffucci syndrome (Pansuriya TC et al., PMID: 22057234; Revencu N et al., PMID: 38778413). Based on available information and an internally developed protocol informed by the ACMG/AMP guidelines for variant interpretation (Leon-Quintero FZ et al., PMID: 39434542), the IDH2 c.514A>G (p.Arg172Gly) variant is classified as likely pathogenic.

Literature cited by the submitters: PubMed 19228619 (cited by Center for Genomic Medicine, Rigshospitalet, Copenhagen University Hospital); PubMed 21326614 (cited by Center for Genomic Medicine, Rigshospitalet, Copenhagen University Hospital); PubMed 22309944 (cited by Center for Genomic Medicine, Rigshospitalet, Copenhagen University Hospital).

NM_002168.4(IDH2):c.514A>G (p.Arg172Gly)

Gene: IDH2 (isocitrate dehydrogenase (NADP(+)) 2; minus strand). Cytogenetic location: 15q26.1.
Variant type: single nucleotide variant.
Coding change: c.514A>G on transcript NM_002168.4 (MANE Select); coding-DNA position 514, A replaced by G.
Protein change: p.Arg172Gly; replaces arginine 172 with glycine.
Molecular consequence: missense variant.
Genome position (GRCh38, 1-based): chr15:90,088,607, T>C on the plus strand (A>G on the coding strand, the complement: IDH2 is on the minus strand). VCF-style: chr15-90088607-T-C. GRCh37 (hg19) VCF-style: chr15-90631839-T-C.
Other names: c.358A>G, p.Arg120Gly (NM_001289910.1); c.124A>G, p.Arg42Gly (NM_001290114.2); short protein forms R120G, R172G, R42G.
Identifiers: ClinVar variation 376439 (VCV000376439.17), dbSNP rs1057519906, ClinGen allele CA16602874.